The following is an entry in ClinVar:

NM_017617.5(NOTCH1):c.2326G>T (p.Val776Leu)

Gene: NOTCH1 (notch receptor 1; minus strand). Cytogenetic location: 9q34.3.
Variant type: single nucleotide variant.
Coding change: c.2326G>T on transcript NM_017617.5 (MANE Select); coding-DNA position 2326, G replaced by T.
Protein change: p.Val776Leu; replaces valine 776 with leucine.
Molecular consequence: missense variant.
Genome position (GRCh38, 1-based): chr9:136,513,419, C>A on the plus strand (G>T on the coding strand, the complement: NOTCH1 is on the minus strand). VCF-style: chr9-136513419-C-A. GRCh37 (hg19) VCF-style: chr9-139407871-C-A.
Other names: c.2326G>T, p.Val776Leu (LRG_1122t1); short protein forms V776L.
Identifiers: ClinVar variation 640721 (VCV000640721.18), dbSNP rs377286829, ClinGen allele CA5341415.
Genomic context (GRCh38, chr9:136,513,419, plus strand): 5'-CCCTCTGCACTGAGAAACGCGCAGCCCACTCACCGCTGAAGCCCTCCCGGCAGGTGCACA[C>A]GTAGCCACTGGTCATGTCTTTGCAGGTGCCGCCGTTGACACAAGGGTTGGATTCACACTC-3'
Protein context (NP_060087.3, residues 766-786): GTCKDMTSGY[Val776Leu]CTCREGFSGP

ClinVar aggregate classification (germline): Conflicting classifications of pathogenicity. Review status: criteria provided, conflicting classifications (1 of 4 stars). 6 submissions from 5 submitters: Uncertain significance (5); Likely benign (1). Last evaluated 2025-11-21.

Conditions:
Adams-Oliver syndrome 5 (AOS5). Identifiers: Orphanet 974, MedGen C4014970, MONDO:0014459, OMIM 616028.
Aortic valve disease 1 (AOVD1). Identifiers: MedGen C3887892, MONDO:0024523, OMIM 109730.

Allele frequency attached by ClinVar (database versions not stated): TOPMed 0.00002; ESP Exome Variant Server 0.00008.

Submissions (6):

Labcorp Genetics (formerly Invitae), Labcorp
Classification: Likely benign for Adams-Oliver syndrome 5. Last evaluated: 2025-11-21. Review status: criteria provided, single submitter. Criteria: Invitae Variant Classification Sherloc (09022015). Collection method: clinical testing. Allele origin: germline.

Greenwood Genetic Center Diagnostic Laboratories, Greenwood Genetic Center
Classification: Uncertain significance. Last evaluated: 2023-07-17. Review status: criteria provided, single submitter. Criteria: ACMG Guidelines, 2015. Collection method: clinical testing. Allele origin: germline. Affected: yes.
Comment: PM2

Genome-Nilou Lab
Classification: Uncertain significance for Adams-Oliver syndrome 5. Last evaluated: 2022-03-15. Review status: criteria provided, single submitter. Criteria: ACMG Guidelines, 2015. Collection method: clinical testing. Allele origin: germline. Affected: no.

Genome-Nilou Lab
Classification: Uncertain significance for Aortic valve disease 1. Last evaluated: 2022-03-15. Review status: criteria provided, single submitter. Criteria: ACMG Guidelines, 2015. Collection method: clinical testing. Allele origin: germline. Affected: no.

Mayo Clinic Laboratories, Mayo Clinic
Classification: Uncertain significance. Last evaluated: 2020-09-23. Review status: criteria provided, single submitter. Criteria: ACMG Guidelines, 2015. Collection method: clinical testing. Allele origin: germline. Observed: 1 variant allele.

GeneDx
Classification: Uncertain significance. Last evaluated: 2019-07-03. Review status: criteria provided, single submitter. Criteria: GeneDx Variant Classification Process June 2021. Collection method: clinical testing. Allele origin: germline. Affected: yes.
Comment: Has not been previously published as pathogenic or benign to our knowledge; Not observed at a significant frequency in large population cohorts (Lek et al., 2016); In silico analysis, which includes protein predictors and evolutionary conservation, supports that this variant does not alter protein structure/function